The following is an entry in ClinVar:

ClinVar aggregate classification (germline): Likely benign (1 of 4 stars; one submission).

gnomAD v4.1: 13 of 1,613,640 alleles (0.00081%); highest among the groups gnomAD compares: African/African-American, 0.0027%; no homozygotes.

Submission:

Women's Health and Genetics/Laboratory Corporation of America, LabCorp
Classification: Likely benign. Last evaluated: 2025-10-10. Review status: criteria provided, single submitter. Criteria: LabCorp Variant Classification Summary - May 2015. Collection method: clinical testing. Allele origin: germline.
Comment: Variant summary: NEK9 c.1758G>A results in a synonymous change. Consensus agreement among computation tools predict no significant impact on normal splicing. However, these predictions have yet to be confirmed by functional studies. The variant allele was found at a frequency of 8e-06 in 251446 control chromosomes (gnomAD). The available data on variant occurrences in the general population are insufficient to allow any conclusion about variant significance. To our knowledge, no occurrence of c.1758G>A in individuals affected with NEK9-related conditions and no experimental evidence demonstrating its impact on protein function have been reported. No submitters have cited clinical-significance assessments for this variant to ClinVar. Based on the evidence outlined above, the variant was classified as likely benign.

NM_033116.6(NEK9):c.1758G>A (p.Thr586=)

Gene: NEK9 (NIMA related kinase 9; minus strand). Cytogenetic location: 14q24.3.
Variant type: single nucleotide variant.
Coding change: c.1758G>A on transcript NM_033116.6 (MANE Select); coding-DNA position 1758, G replaced by A.
Protein change: p.Thr586=; no amino-acid change (threonine 586 retained).
Molecular consequence: synonymous variant.
Genome position (GRCh38, 1-based): chr14:75,101,739, C>T on the plus strand (G>A on the coding strand, the complement: NEK9 is on the minus strand). VCF-style: chr14-75101739-C-T. GRCh37 (hg19) VCF-style: chr14-75568442-C-T.
Other names: c.1794G>A, p.Thr598= (NM_001329237.2); c.1404G>A, p.Thr468= (NM_001329238.2).
Identifiers: ClinVar variation 4687372 (VCV004687372.1).